The following is an entry in ClinVar:

ClinVar aggregate classification (germline): Benign. Review status: criteria provided, multiple submitters, no conflicts (2 of 4 stars). 5 submissions from 5 submitters: Benign (2). 3 of the submissions do not count toward it. Last evaluated 2019-12-31.

Conditions:
BCORL1-related disorder. Also called: BCORL1-related condition.

Allele frequency attached by ClinVar (database versions not stated): gnomAD 0.00421 and 0.00428; gnomAD exomes 0.00435 and 0.00637; ExAC 0.00488; TOPMed 0.00390; 1000 Genomes Project 30x 0.00187; 1000 Genomes Project 0.00212; ESP Exome Variant Server 0.00502.
gnomAD v4.1: 7,383 of 1,208,526 alleles (0.61%); highest among the groups gnomAD compares: Non-Finnish European, 0.75%; 21 homozygotes.

Submissions (5):

Labcorp Genetics (formerly Invitae), Labcorp
Classification: Benign. Last evaluated: 2019-12-31. Review status: criteria provided, single submitter. Criteria: Invitae Variant Classification Sherloc (09022015). Collection method: clinical testing. Allele origin: germline.

Breakthrough Genomics
Classification: Benign. Review status: criteria provided, single submitter. Criteria: ACMG Guidelines, 2015. Collection method: not provided. Allele origin: germline. Inheritance: X-linked inheritance. Affected: yes.

PreventionGenetics, part of Exact Sciences
Classification: Benign for BCORL1-related condition. Last evaluated: 2019-10-03. Review status: no assertion criteria provided. Collection method: clinical testing. Allele origin: germline. Not counted in ClinVar's aggregate classification.
Comment: This variant is classified as benign based on ACMG/AMP sequence variant interpretation guidelines (Richards et al. 2015 PMID: 25741868, with internal and published modifications).

Clinical Genetics DNA and cytogenetics Diagnostics Lab, Erasmus MC, Erasmus Medical Center
Classification: Likely benign. Review status: no assertion criteria provided. Collection method: clinical testing. Allele origin: germline. Affected: yes. Study: VKGL Data-share Consensus. Not counted in ClinVar's aggregate classification.

Laboratory of Diagnostic Genome Analysis, Leiden University Medical Center (LUMC)
Classification: Likely benign. Review status: no assertion criteria provided. Collection method: clinical testing. Allele origin: germline. Affected: yes. Study: VKGL Data-share Consensus. Not counted in ClinVar's aggregate classification.

NM_001379451.1(BCORL1):c.783G>A (p.Ala261=)

Gene: BCORL1 (BCL6 corepressor like 1; plus strand). Cytogenetic location: Xq26.1.
Variant type: single nucleotide variant.
Coding change: c.783G>A on transcript NM_001379451.1 (MANE Select); coding-DNA position 783, G replaced by A.
Protein change: p.Ala261=; no amino-acid change (alanine 261 retained).
Molecular consequence: synonymous variant.
Genome position (GRCh38, 1-based): chrX:130,013,555, G>A. VCF-style: chrX-130013555-G-A. GRCh37 (hg19) VCF-style: chrX-129147531-G-A.
Other names: c.783G>A, p.Ala261= (NM_001184772.3, NM_001379450.1, NM_021946.5).
Identifiers: ClinVar variation 784731 (VCV000784731.9), dbSNP rs61752973, ClinGen allele CA10514169.